The following is an entry in ClinVar:

NM_000256.3(MYBPC3):c.926+2T>C

Gene: MYBPC3 (myosin binding protein C3; minus strand). Cytogenetic location: 11p11.2.
Variant type: single nucleotide variant.
Coding change: c.926+2T>C on transcript NM_000256.3 (MANE Select); the canonical splice donor site of the intron after coding-DNA position 926, T replaced by C.
Molecular consequence: splice donor variant.
Genome position (GRCh38, 1-based): chr11:47,346,625, A>G on the plus strand (T>C on the coding strand, the complement: MYBPC3 is on the minus strand). VCF-style: chr11-47346625-A-G. GRCh37 (hg19) VCF-style: chr11-47368176-A-G.
Identifiers: ClinVar variation 1498187 (VCV001498187.8), dbSNP rs1595847941, ClinGen allele CA380332838.

ClinVar aggregate classification (germline): Likely pathogenic (1 of 4 stars; one submission).

Conditions:
Hypertrophic cardiomyopathy. Also called: HYPERTROPHIC MYOCARDIOPATHY. Identifiers: Orphanet 217569, MedGen C0007194, MeSH D002312, MONDO:0005045, HP:0001639.

Allele frequency attached by ClinVar (database versions not stated): gnomAD exomes below 0.00001.
gnomAD v4.1: 2 of 1,557,178 alleles (0.00013%); highest among the groups gnomAD compares: Non-Finnish European, 0.00017%; no homozygotes.

Submission:

Labcorp Genetics (formerly Invitae), Labcorp
Classification: Likely pathogenic for Hypertrophic cardiomyopathy. Last evaluated: 2022-10-07. Review status: criteria provided, single submitter. Criteria: Invitae Variant Classification Sherloc (09022015). Collection method: clinical testing. Allele origin: germline.
Comment: This sequence change affects a donor splice site in intron 11 of the MYBPC3 gene. It is expected to disrupt RNA splicing. Variants that disrupt the donor or acceptor splice site typically lead to a loss of protein function (PMID: 16199547), and loss-of-function variants in MYBPC3 are known to be pathogenic (PMID: 19574547). This variant is not present in population databases (gnomAD no frequency). Disruption of this splice site has been observed in individual(s) with clinical features of dilated cardiomyopathy (Invitae). ClinVar contains an entry for this variant (Variation ID: 1498187). Algorithms developed to predict the effect of sequence changes on RNA splicing suggest that this variant may disrupt the consensus splice site. In summary, the currently available evidence indicates that the variant is pathogenic, but additional data are needed to prove that conclusively. Therefore, this variant has been classified as Likely Pathogenic.

Literature cited by the submitters: PubMed 16199547; PubMed 19574547.